The following is an entry in ClinVar:

NM_000274.4(OAT):c.604C>T (p.Pro202Ser)

Gene: OAT (ornithine aminotransferase; minus strand). Cytogenetic location: 10q26.13.
Variant type: single nucleotide variant.
Coding change: c.604C>T on transcript NM_000274.4 (MANE Select); coding-DNA position 604, C replaced by T.
Protein change: p.Pro202Ser; replaces proline 202 with serine.
Molecular consequence: missense variant.
Genome position (GRCh38, 1-based): chr10:124,405,480, G>A on the plus strand (C>T on the coding strand, the complement: OAT is on the minus strand). VCF-style: chr10-124405480-G-A. GRCh37 (hg19) VCF-style: chr10-126094049-G-A.
Other names: c.190C>T, p.Pro64Ser (NM_001171814.2); c.604C>T, p.Pro202Ser (NM_001322965.2, NM_001322966.2, NM_001322967.2 and 3 more transcripts); c.283C>T, p.Pro95Ser (NM_001322971.2); c.4C>T, p.Pro2Ser (NM_001322974.2); short protein forms P202S, P95S, P2S, P64S.
Identifiers: ClinVar variation 1932500 (VCV001932500.5), dbSNP rs868567649, ClinGen allele CA215250529.

ClinVar aggregate classification (germline): Uncertain significance. Review status: criteria provided, multiple submitters, no conflicts (2 of 4 stars). 2 submissions from 2 submitters: Uncertain significance (2). Last evaluated 2025-08-29.

Conditions:
Ornithine aminotransferase deficiency (GACR). Also called: Ornithine ketoacid aminotransferase deficiency; Gyrate atrophy; Gyrate atrophy of choroid and retina; Girate atrophy of the retina; HYPERORNITHINEMIA WITH GYRATE ATROPHY OF CHOROID AND RETINA; OAT DEFICIENCY. Identifiers: Orphanet 414, MedGen C0018425, MONDO:0009796, OMIM 258870.
Inborn genetic diseases. Identifiers: MedGen C0950123, MeSH D030342.

Submissions (2):

Ambry Genetics
Classification: Uncertain significance for Inborn genetic diseases. Last evaluated: 2025-08-29. Review status: criteria provided, single submitter. Criteria: Ambry Variant Classification Scheme 2023. Collection method: clinical testing. Allele origin: germline.

Labcorp Genetics (formerly Invitae), Labcorp
Classification: Uncertain significance for Ornithine aminotransferase deficiency. Last evaluated: 2025-03-31. Review status: criteria provided, single submitter. Criteria: Invitae Variant Classification Sherloc (09022015). Collection method: clinical testing. Allele origin: germline.
Comment: This sequence change replaces proline, which is neutral and non-polar, with serine, which is neutral and polar, at codon 202 of the OAT protein (p.Pro202Ser). This variant is present in population databases (no rsID available, gnomAD 0.0009%). This variant has not been reported in the literature in individuals affected with OAT-related conditions. ClinVar contains an entry for this variant (Variation ID: 1932500). Invitae Evidence Modeling of protein sequence and biophysical properties (such as structural, functional, and spatial information, amino acid conservation, physicochemical variation, residue mobility, and thermodynamic stability) indicates that this missense variant is not expected to disrupt OAT protein function with a negative predictive value of 80%. In summary, the available evidence is currently insufficient to determine the role of this variant in disease. Therefore, it has been classified as a Variant of Uncertain Significance.